The following is an entry in ClinVar:

NM_000238.4(KCNH2):c.1943G>A (p.Gly648Asp)

Gene: KCNH2 (potassium voltage-gated channel subfamily H member 2; minus strand). Cytogenetic location: 7q36.1.
Variant type: single nucleotide variant.
Coding change: c.1943G>A on transcript NM_000238.4 (MANE Select); coding-DNA position 1943, G replaced by A.
Protein change: p.Gly648Asp; replaces glycine 648 with aspartic acid.
Molecular consequence: missense variant.
Genome position (GRCh38, 1-based): chr7:150,951,450, C>T on the plus strand (G>A on the coding strand, the complement: KCNH2 is on the minus strand). VCF-style: chr7-150951450-C-T. GRCh37 (hg19) VCF-style: chr7-150648538-C-T.
Other names: p.G648D:GGC>GAC; c.923G>A, p.Gly308Asp (NM_001204798.2, NM_172057.3); c.1655G>A, p.Gly552Asp (NM_001406753.1, NM_001406756.1); c.1766G>A, p.Gly589Asp (NM_001406755.1); c.1643G>A, p.Gly548Asp (NM_001406757.1); c.1943G>A, p.Gly648Asp (NM_172056.3); short protein forms G308D, G648D, G552D, G589D, G548D.
Identifiers: ClinVar variation 200753 (VCV000200753.8), dbSNP rs794728486, ClinGen allele CA006067.
Genomic context (GRCh38, chr7:150,951,450, plus strand): 5'-CCAACTTGGGTTCCTCCACCGTGGGCTCTCCCCGCCGCCCGCCCCTGGGCACACTCACAG[C>T]CAATGAGCATGACGCAGATGGAGAAGATCTTCTCTGAGTTGGTGTTGGGAGAGACGTTGC-3'
Protein context (NP_000229.1, residues 638-658): KIFSICVMLI[Gly648Asp]SLMYASIFGN

ClinVar aggregate classification (germline): Uncertain significance. Review status: criteria provided, multiple submitters, no conflicts (2 of 4 stars). 2 submissions from 2 submitters: Uncertain significance (2). Last evaluated 2024-12-10.

Conditions:
Long QT syndrome (LQTS). Identifiers: MedGen C0023976, MeSH D008133, MONDO:0002442. Disease mechanism: loss of function. Inheritance: Various modes of inheritance.

Submissions (2):

Labcorp Genetics (formerly Invitae), Labcorp
Classification: Uncertain significance for Long QT syndrome. Last evaluated: 2024-12-10. Review status: criteria provided, single submitter. Criteria: Invitae Variant Classification Sherloc (09022015). Collection method: clinical testing. Allele origin: germline.
Comment: This sequence change replaces glycine, which is neutral and non-polar, with aspartic acid, which is acidic and polar, at codon 648 of the KCNH2 protein (p.Gly648Asp). This variant is not present in population databases (gnomAD no frequency). This variant has not been reported in the literature in individuals affected with KCNH2-related conditions. ClinVar contains an entry for this variant (Variation ID: 200753). An algorithm developed to predict the effect of missense changes on protein structure and function (PolyPhen-2) suggests that this variant is likely to be disruptive. In summary, the available evidence is currently insufficient to determine the role of this variant in disease. Therefore, it has been classified as a Variant of Uncertain Significance.

GeneDx
Classification: Uncertain significance. Last evaluated: 2023-03-08. Review status: criteria provided, single submitter. Criteria: GeneDx Variant Classification Process June 2021. Collection method: clinical testing. Allele origin: germline. Affected: yes.
Comment: Has not been previously published as pathogenic or benign to our knowledge; Not observed at significant frequency in large population cohorts (gnomAD); In silico analysis supports that this missense variant has a deleterious effect on protein structure/function